The following is an entry in ClinVar:

NM_003730.6(RNASET2):c.21C>T (p.Arg7=)

Gene: RNASET2 (ribonuclease T2; minus strand). Cytogenetic location: 6q27.
Variant type: single nucleotide variant.
Coding change: c.21C>T on transcript NM_003730.6 (MANE Select); coding-DNA position 21, C replaced by T.
Protein change: p.Arg7=; no amino-acid change (arginine 7 retained).
Molecular consequence: synonymous variant.
Genome position (GRCh38, 1-based): chr6:166,956,162, G>A on the plus strand (C>T on the coding strand, the complement: RNASET2 is on the minus strand). VCF-style: chr6-166956162-G-A. GRCh37 (hg19) VCF-style: chr6-167369650-G-A.
Identifiers: ClinVar variation 356038 (VCV000356038.14), dbSNP rs12193095, ClinGen allele CA4095205.
Genomic context (GRCh38, chr6:166,956,162, plus strand): 5'-GCGCTTGTCCGCACCGCCCAGGCAAAGCAACGCCAGGCAGAGGCAGCCCAGCAGGGCCCC[G>A]CGCAGGGCTGCAGGGCGCATGGTGCCGACCTGCGGAGAGAACGCTGCCAGCTGCCGCTCC-3'
Protein context (NP_003721.2, residues 1-17): MRPAAL[Arg7=]GALLGCLCLA

ClinVar aggregate classification (germline): Benign/Likely benign. Review status: criteria provided, multiple submitters, no conflicts (2 of 4 stars). 3 submissions from 3 submitters: Benign (2); Likely benign (1). Last evaluated 2026-02-03.

Conditions:
Cystic leukoencephalopathy without megalencephaly. Identifiers: Orphanet 85136, MedGen C2751843, MONDO:0013058, OMIM 612951.

Allele frequency attached by ClinVar (database versions not stated): 1000 Genomes Project 0.02316; 1000 Genomes Project 30x 0.02405; ExAC 0.04012; gnomAD exomes 0.04824 and 0.06823; TOPMed 0.04963; ESP Exome Variant Server 0.05242; gnomAD 0.05758.
gnomAD v4.1: 102,517 of 1,549,904 alleles (6.6%); highest among the groups gnomAD compares: Non-Finnish European, 7.8%; 3,978 homozygotes.

Submissions (3):

Labcorp Genetics (formerly Invitae), Labcorp
Classification: Benign. Last evaluated: 2026-02-03. Review status: criteria provided, single submitter. Criteria: Invitae Variant Classification Sherloc (09022015). Collection method: clinical testing. Allele origin: germline.

Blueprint Genetics
Classification: Likely benign. Last evaluated: 2024-11-26. Review status: criteria provided, single submitter. Criteria: ACMG Guidelines, 2015. Collection method: clinical testing. Allele origin: germline.

Illumina Laboratory Services, Illumina
Classification: Benign for Cystic leukoencephalopathy without megalencephaly. Last evaluated: 2018-01-13. Review status: criteria provided, single submitter. Criteria: ICSL Variant Classification Criteria 13 December 2019. Collection method: clinical testing. Allele origin: germline.
Comment: This variant was observed in the ICSL laboratory as part of a predisposition screen in an ostensibly healthy population. It had not been previously curated by ICSL or reported in the Human Gene Mutation Database (HGMD: prior to June 1st, 2018), and was therefore a candidate for classification through an automated scoring system. Utilizing variant allele frequency, disease prevalence and penetrance estimates, and inheritance mode, an automated score was calculated to assess if this variant is too frequent to cause the disease. Based on the score and internal cut-off values, a variant classified as benign is not then subjected to further curation. The score for this variant resulted in a classification of benign for this disease.